The following is an entry in ClinVar:

ClinVar aggregate classification (germline): Benign/Likely benign. Review status: criteria provided, multiple submitters, no conflicts (2 of 4 stars). 9 submissions from 6 submitters: Benign (1); Likely benign (8). Last evaluated 2026-01-28.

Conditions:
MPZ-related disorder. Also called: MPZ-related condition; MPZ-related disorders.
Charcot-Marie-Tooth disease. Also called: Charcot-Marie-Tooth Hereditary Neuropathy; Charcot-Marie-Tooth Neuropathy. Identifiers: Orphanet 166, MedGen C0007959, MONDO:0015626.
Charcot-Marie-Tooth disease type 1B. Also called: CHARCOT-MARIE-TOOTH DISEASE, AUTOSOMAL DOMINANT, WITH FOCALLY FOLDED MYELIN SHEATHS, TYPE 1B; CHARCOT-MARIE-TOOTH DISEASE, SLOW NERVE CONDUCTION TYPE, LINKED TO DUFFY; CHARCOT-MARIE-TOOTH NEUROPATHY, TYPE 1B; PERONEAL MUSCULAR ATROPHY; HEREDITARY MOTOR AND SENSORY NEUROPATHY I; HEREDITARY MOTOR AND SENSORY NEUROPATHY IB. Identifiers: Orphanet 101082, MedGen C0270912, MONDO:0007307, OMIM 118200.
Charcot-Marie-Tooth disease dominant intermediate D. Also called: CHARCOT-MARIE-TOOTH NEUROPATHY, DOMINANT INTERMEDIATE D; Charcot-Marie-Tooth disease dominant intermediate 3; CMT DI3. Identifiers: Orphanet 100046, MedGen C1843075, MONDO:0011909, OMIM 607791.
Neuropathy, congenital hypomyelinating, 2. Identifiers: MedGen C4722277, MONDO:0020765, OMIM 618184.
Charcot-Marie-Tooth disease, type I (CMT1). Also called: Charcot-Marie-Tooth, Type 1; Charcot-Marie-Tooth disease type 1. Identifiers: Orphanet 65753, MedGen C0751036, MONDO:0019011.
Roussy-Lévy syndrome. Also called: Roussy-Levy Syndrome; Roussy Levy hereditary areflexic dystasia; Roussy-Levy disease; Hereditary areflexic dystasia. Identifiers: Orphanet 3115, MedGen C0205713, MONDO:0008392, OMIM 180800.

Allele frequency attached by ClinVar (database versions not stated): gnomAD exomes 0.00007 and 0.00019; ExAC 0.00021; 1000 Genomes Project 0.00040; gnomAD 0.00069 and 0.00074; 1000 Genomes Project 30x 0.00078; TOPMed 0.00091; ESP Exome Variant Server 0.00138.
gnomAD v4.1: 206 of 1,614,198 alleles (0.013%); highest among the groups gnomAD compares: African/African-American, 0.25%; no homozygotes.

Submissions (9):

Labcorp Genetics (formerly Invitae), Labcorp
Classification: Benign for Charcot-Marie-Tooth disease, type I. Last evaluated: 2026-01-28. Review status: criteria provided, single submitter. Criteria: Invitae Variant Classification Sherloc (09022015). Collection method: clinical testing. Allele origin: germline.

PreventionGenetics, part of Exact Sciences
Classification: Likely benign for MPZ-related condition. Last evaluated: 2025-04-03. Review status: criteria provided, single submitter. Criteria: ACMG Guidelines, 2015. Collection method: clinical testing. Allele origin: germline.
Comment: This variant is classified as likely benign based on ACMG/AMP sequence variant interpretation guidelines (Richards et al. 2015 PMID: 25741868, with internal and published modifications).

ARUP Laboratories, Molecular Genetics and Genomics, ARUP Laboratories
Classification: Likely benign. Last evaluated: 2020-03-13. Review status: criteria provided, single submitter. Criteria: ARUP Molecular Germline Variant Investigation Process. Collection method: clinical testing. Allele origin: germline.

GeneDx
Classification: Likely benign. Last evaluated: 2017-12-05. Review status: criteria provided, single submitter. Criteria: GeneDx Variant Classification (06012015). Collection method: clinical testing. Allele origin: germline. Affected: yes.
Comment: This variant is considered likely benign or benign based on one or more of the following criteria: it is a conservative change, it occurs at a poorly conserved position in the protein, it is predicted to be benign by multiple in silico algorithms, and/or has population frequency not consistent with disease.

Illumina Laboratory Services, Illumina
Classification: Likely benign for Neuropathy, congenital hypomyelinating, 2. Last evaluated: 2017-04-27. Review status: criteria provided, single submitter. Criteria: ICSL Variant Classification Criteria 13 December 2019. Collection method: clinical testing. Allele origin: germline.
Comment: This variant was observed as part of a predisposition screen in an ostensibly healthy population. A literature search was performed for the gene, cDNA change, and amino acid change (where applicable). No publications were found based on this search. Allele frequency data from public databases allowed determination this variant is unlikely to cause disease. Therefore, this variant is classified as likely benign.

Illumina Laboratory Services, Illumina
Classification: Likely benign for Charcot-Marie-Tooth disease type 1B. Last evaluated: 2017-04-27. Review status: criteria provided, single submitter. Criteria: ICSL Variant Classification Criteria 13 December 2019. Collection method: clinical testing. Allele origin: germline.
Comment: the same text as in the submission from Illumina Laboratory Services, Illumina above.

Illumina Laboratory Services, Illumina
Classification: Likely benign for Roussy-Lévy syndrome. Last evaluated: 2017-04-27. Review status: criteria provided, single submitter. Criteria: ICSL Variant Classification Criteria 13 December 2019. Collection method: clinical testing. Allele origin: germline.
Comment: the same text as in the submission from Illumina Laboratory Services, Illumina above.

Illumina Laboratory Services, Illumina
Classification: Likely benign for Charcot-Marie-Tooth disease dominant intermediate D. Last evaluated: 2017-04-27. Review status: criteria provided, single submitter. Criteria: ICSL Variant Classification Criteria 13 December 2019. Collection method: clinical testing. Allele origin: germline.
Comment: the same text as in the submission from Illumina Laboratory Services, Illumina above.

Molecular Genetics Laboratory, London Health Sciences Centre
Classification: Likely benign for Charcot-Marie-Tooth disease. Review status: criteria provided, single submitter. Criteria: ACMG Guidelines, 2015. Collection method: clinical testing. Allele origin: germline. Affected: yes.

NM_000530.8(MPZ):c.504G>A (p.Val168=)

Gene: MPZ (myelin protein zero; minus strand). Cytogenetic location: 1q23.3.
Variant type: single nucleotide variant.
Coding change: c.504G>A on transcript NM_000530.8 (MANE Select); coding-DNA position 504, G replaced by A.
Protein change: p.Val168=; no amino-acid change (valine 168 retained).
Molecular consequence: synonymous variant.
Genome position (GRCh38, 1-based): chr1:161,306,409, C>T on the plus strand (G>A on the coding strand, the complement: MPZ is on the minus strand). VCF-style: chr1-161306409-C-T. GRCh37 (hg19) VCF-style: chr1-161276199-C-T.
Other names: c.504G>A (NM_000530.7, LRG_256t1); c.504G>A, p.Val168= (NM_001315491.2).
Identifiers: ClinVar variation 293313 (VCV000293313.26), dbSNP rs145592910, ClinGen allele CA1210149.